The following is an entry in ClinVar:

ClinVar aggregate classification (germline): Uncertain significance. Review status: criteria provided, multiple submitters, no conflicts (2 of 4 stars). 2 submissions from 2 submitters: Uncertain significance (2). Last evaluated 2026-03-31.

Conditions:
FBXO38-related disorder. Also called: FBXO38-related condition.
Distal hereditary motor neuropathy type 2. Identifiers: Orphanet 139525, MedGen C3711384, MeSH C580044, MONDO:0015352.

Allele frequency attached by ClinVar (database versions not stated): TOPMed 0.00003; gnomAD 0.00004 and 0.00005.
gnomAD v4.1: 11 of 1,613,402 alleles (0.00068%); highest among the groups gnomAD compares: East Asian, 0.0045%; no homozygotes.

Submissions (2):

PreventionGenetics, part of Exact Sciences
Classification: Uncertain significance for FBXO38-related condition. Last evaluated: 2026-03-31. Review status: criteria provided, single submitter. Criteria: ACMG Guidelines, 2015. Collection method: clinical testing. Allele origin: germline.
Comment: The FBXO38 c.1685C>T variant is predicted to result in the amino acid substitution p.Thr562Ile. To our knowledge, this variant has not been reported in the literature. This variant is reported in 0.00088% of alleles in individuals of European (Non-Finnish) descent in gnomAD. At this time, the clinical significance of this variant is uncertain due to the absence of conclusive functional and genetic evidence.

Labcorp Genetics (formerly Invitae), Labcorp
Classification: Uncertain significance for Distal hereditary motor neuropathy type 2. Last evaluated: 2025-12-29. Review status: criteria provided, single submitter. Criteria: Invitae Variant Classification Sherloc (09022015). Collection method: clinical testing. Allele origin: germline.
Comment: This sequence change replaces threonine, which is neutral and polar, with isoleucine, which is neutral and non-polar, at codon 562 of the FBXO38 protein (p.Thr562Ile). The frequency data for this variant in the population databases is considered unreliable, as metrics indicate poor data quality at this position in the gnomAD database. This variant has not been reported in the literature in individuals affected with FBXO38-related conditions. ClinVar contains an entry for this variant (Variation ID: 650945). Invitae Evidence Modeling of protein sequence and biophysical properties (such as structural, functional, and spatial information, amino acid conservation, physicochemical variation, residue mobility, and thermodynamic stability) indicates that this missense variant is not expected to disrupt FBXO38 protein function with a negative predictive value of 80%. In summary, the available evidence is currently insufficient to determine the role of this variant in disease. Therefore, it has been classified as a Variant of Uncertain Significance.

NM_205836.3(FBXO38):c.1685C>T (p.Thr562Ile)

Gene: FBXO38 (F-box protein 38; plus strand). Cytogenetic location: 5q32.
Variant type: single nucleotide variant.
Coding change: c.1685C>T on transcript NM_205836.3 (MANE Select); coding-DNA position 1685, C replaced by T.
Protein change: p.Thr562Ile; replaces threonine 562 with isoleucine.
Molecular consequence: missense variant.
Genome position (GRCh38, 1-based): chr5:148,424,064, C>T. VCF-style: chr5-148424064-C-T. GRCh37 (hg19) VCF-style: chr5-147803627-C-T.
Other names: c.1685C>T, p.Thr562Ile (NM_001271723.2, NM_030793.5); short protein forms T562I.
Identifiers: ClinVar variation 650945 (VCV000650945.10), dbSNP rs748051444, ClinGen allele CA128948247.